The following is an entry in ClinVar:

NM_000158.4(GBE1):c.748G>T (p.Gly250Cys)

Gene: GBE1 (1,4-alpha-glucan branching enzyme 1; minus strand). Cytogenetic location: 3p12.2.
Variant type: single nucleotide variant.
Coding change: c.748G>T on transcript NM_000158.4 (MANE Select); coding-DNA position 748, G replaced by T.
Protein change: p.Gly250Cys; replaces glycine 250 with cysteine.
Molecular consequence: missense variant.
Genome position (GRCh38, 1-based): chr3:81,646,426, C>A on the plus strand (G>T on the coding strand, the complement: GBE1 is on the minus strand). VCF-style: chr3-81646426-C-A. GRCh37 (hg19) VCF-style: chr3-81695577-C-A.
Other names: short protein forms G250C.
Identifiers: ClinVar variation 2091882 (VCV002091882.1), dbSNP rs2471822314, ClinGen allele CA353688067.

ClinVar aggregate classification (germline): Uncertain significance (1 of 4 stars; one submission).

Conditions:
Glycogen storage disease IV, classic hepatic. Also called: GSD IV, CLASSIC HEPATIC. Identifiers: MedGen C1856301.
Glycogen storage disease, type IV (GSD4). Also called: Glycogen storage disease due to glycogen branching enzyme deficiency; AMYLOPECTINOSIS; ANDERSEN DISEASE; BRANCHER DEFICIENCY; CIRRHOSIS, FAMILIAL, WITH DEPOSITION OF ABNORMAL GLYCOGEN; GBE1 DEFICIENCY. Identifiers: Orphanet 367, MedGen C0017923, MONDO:0009292, OMIM 232500.

Submission:

Labcorp Genetics (formerly Invitae), Labcorp
Classification: Uncertain significance for Glycogen storage disease, type IV; Glycogen storage disease IV, classic hepatic. Last evaluated: 2022-02-02. Review status: criteria provided, single submitter. Criteria: Invitae Variant Classification Sherloc (09022015). Collection method: clinical testing. Allele origin: germline.
Comment: This sequence change replaces glycine, which is neutral and non-polar, with cysteine, which is neutral and slightly polar, at codon 250 of the GBE1 protein (p.Gly250Cys). This variant is not present in population databases (gnomAD no frequency). This variant has not been reported in the literature in individuals affected with GBE1-related conditions. Advanced modeling of protein sequence and biophysical properties (such as structural, functional, and spatial information, amino acid conservation, physicochemical variation, residue mobility, and thermodynamic stability) performed at Invitae indicates that this missense variant is expected to disrupt GBE1 protein function. In summary, the available evidence is currently insufficient to determine the role of this variant in disease. Therefore, it has been classified as a Variant of Uncertain Significance.